The following is an entry in ClinVar:

NM_006231.4(POLE):c.4953-5T>A

Gene: POLE (DNA polymerase epsilon, catalytic subunit; minus strand). Cytogenetic location: 12q24.33.
Variant type: single nucleotide variant.
Coding change: c.4953-5T>A on transcript NM_006231.4 (MANE Select); 5 bases into the intron before coding-DNA position 4953, T replaced by A.
Molecular consequence: intron variant.
Genome position (GRCh38, 1-based): chr12:132,642,402, A>T on the plus strand (T>A on the coding strand, the complement: POLE is on the minus strand). VCF-style: chr12-132642402-A-T. GRCh37 (hg19) VCF-style: chr12-133218988-A-T.
Identifiers: ClinVar variation 4862299 (VCV004862299.1).
Genomic context (GRCh38, chr12:132,642,402, plus strand): 5'-CGGAGCCGAATGTGGAGATGTCCTCTGGTAGGTTCCCAATGGGAATGTGAAAGTACCTGC[A>T]CCAGGGCACAGGTCAGCACCGGGGCACATCGCCGGGTCACAGAGACCACCGAGGCCGGCT-3'

ClinVar aggregate classification (germline): Uncertain significance (1 of 4 stars; one submission).

Conditions:
Hereditary cancer-predisposing syndrome. Also called: Neoplastic Syndromes, Hereditary; Tumor predisposition; Hereditary Cancer Syndrome; Hereditary neoplastic syndrome. Identifiers: Orphanet 140162, MedGen C0027672, MeSH D009386, MONDO:0015356.

Submission:

Ambry Genetics
Classification: Uncertain significance for Hereditary cancer-predisposing syndrome. Last evaluated: 2026-05-14. Review status: criteria provided, single submitter. Criteria: Ambry Variant Classification Scheme 2023. Collection method: clinical testing. Allele origin: germline.
Comment: The c.4953-5T>A intronic variant results from a T to A substitution 5 nucleotides upstream from coding exon 38 in the POLE gene. This nucleotide position is not well conserved in available vertebrate species. In silico splice site analysis predicts that this alteration may result in the creation or strengthening of a novel splice acceptor site. Based on the available evidence, the clinical significance of this variant remains unclear.